The following is an entry in ClinVar:

NM_001370259.2(MEN1):c.959C>G (p.Pro320Arg)

Gene: MEN1 (menin 1; minus strand). Cytogenetic location: 11q13.1.
Variant type: single nucleotide variant.
Coding change: c.959C>G on transcript NM_001370259.2 (MANE Select); coding-DNA position 959, C replaced by G.
Protein change: p.Pro320Arg; replaces proline 320 with arginine.
Molecular consequence: missense variant.
Genome position (GRCh38, 1-based): chr11:64,806,322, G>C on the plus strand (C>G on the coding strand, the complement: MEN1 is on the minus strand). VCF-style: chr11-64806322-G-C. GRCh37 (hg19) VCF-style: chr11-64573794-G-C.
Other names: c.974C>G, p.Pro325Arg (NM_000244.4, NM_130800.3, NM_130801.3 and 3 more transcripts); c.959C>G, p.Pro320Arg (NM_001370251.2, NM_001370260.2, NM_001370261.2 and 1 more transcripts); c.854C>G, p.Pro285Arg (NM_001370262.2, NM_001370263.2); short protein forms P285R, P320R, P325R.
Identifiers: ClinVar variation 988340 (VCV000988340.3), dbSNP rs1114167469, ClinGen allele CA381183362.
Genomic context (GRCh38, chr11:64,806,322, plus strand): 5'-GCCTGCAGGGCTTCCCGCACATTGCGGTTGCGACAGTGGTAGCCAGCCAGGTACATGTAG[G>C]GGTAGATGTGTTCATCCCGATAGTAGGTCTTGGCTGAGGCAATGCCCTGGATGGAGGTGA-3'
Protein context (NP_001357188.2, residues 310-330): KTYYRDEHIY[Pro320Arg]YMYLAGYHCR

ClinVar aggregate classification (germline): Conflicting classifications of pathogenicity. Review status: criteria provided, conflicting classifications (1 of 4 stars). 2 submissions from 2 submitters: Pathogenic (1); Uncertain significance (1). Last evaluated 2024-09-23.

Conditions:
Multiple endocrine neoplasia, type 1 (MEN1). Also called: Endocrine adenomatosis multiple; MEN 1; MEN I; WERMER SYNDROME; MEA I. Identifiers: Orphanet 652, MedGen C0025267, MeSH D018761, MONDO:0007540, OMIM 131100.

Submissions (2):

All of Us Research Program, National Institutes of Health
Classification: Uncertain significance for Multiple endocrine neoplasia, type 1. Last evaluated: 2024-09-23. Review status: criteria provided, single submitter. Criteria: ACMG Guidelines, 2015. Collection method: clinical testing. Allele origin: germline. Inheritance: Autosomal dominant inheritance. Observed: 1 variant allele, 1 heterozygote.
Comment: This study involves interpretation of variants in research participants for the purpose of population health screening. Participant phenotype was not available at the time of variant classification. Additional details can be found in publication PMID: 35346344, PMCID: PMC8962531

Clinical Genetics and Genomics, Karolinska University Hospital
Classification: Pathogenic. Last evaluated: 2014-05-30. Review status: criteria provided, single submitter. Criteria: ACMG Guidelines, 2015. Collection method: clinical testing. Allele origin: germline. Affected: yes. Observed: 8 variant alleles.